The following is an entry in ClinVar:

NM_006506.5(RASA2):c.121C>T (p.Arg41Trp)

Genes: RASA2 (RAS p21 protein activator 2; plus strand), LOC129937686 (ATAC-STARR-seq lymphoblastoid silent region 14777; plus strand). Cytogenetic location: 3q23.
Variant type: single nucleotide variant.
Coding change: c.121C>T on transcript NM_006506.5 (MANE Select); coding-DNA position 121, C replaced by T.
Protein change: p.Arg41Trp; replaces arginine 41 with tryptophan.
Molecular consequence: missense variant.
Genome position (GRCh38, 1-based): chr3:141,487,204, C>T. VCF-style: chr3-141487204-C-T. GRCh37 (hg19) VCF-style: chr3-141206046-C-T.
Other names: c.121C>T, p.Arg41Trp (NM_001303245.3, NM_001303246.3); short protein forms R41W.
Identifiers: ClinVar variation 3623875 (VCV003623875.3).

ClinVar aggregate classification (germline): Uncertain significance. Review status: criteria provided, multiple submitters, no conflicts (2 of 4 stars). 2 submissions from 2 submitters: Uncertain significance (2). Last evaluated 2024-03-18.

gnomAD v4.1: 4 of 1,439,608 alleles (0.00028%); highest among the groups gnomAD compares: Non-Finnish European, 0.00028%; no homozygotes.

Submissions (2):

Labcorp Genetics (formerly Invitae), Labcorp
Classification: Uncertain significance. Last evaluated: 2024-03-18. Review status: criteria provided, single submitter. Criteria: Invitae Variant Classification Sherloc (09022015). Collection method: clinical testing. Allele origin: germline.
Comment: This sequence change replaces arginine, which is basic and polar, with tryptophan, which is neutral and slightly polar, at codon 41 of the RASA2 protein (p.Arg41Trp). The frequency data for this variant in the population databases is considered unreliable, as metrics indicate poor data quality at this position in the gnomAD database. This variant has not been reported in the literature in individuals affected with RASA2-related conditions. An algorithm developed to predict the effect of missense changes on protein structure and function (PolyPhen-2) suggests that this variant is likely to be disruptive. In summary, the available evidence is currently insufficient to determine the role of this variant in disease. Therefore, it has been classified as a Variant of Uncertain Significance.

Blueprint Genetics
Classification: Uncertain significance. Last evaluated: 2021-05-11. Review status: criteria provided, single submitter. Criteria: ACMG Guidelines, 2015. Collection method: clinical testing. Allele origin: germline.